The following is an entry in ClinVar:

ClinVar aggregate classification (germline): Conflicting classifications of pathogenicity. Review status: criteria provided, conflicting classifications (1 of 4 stars). 3 submissions from 3 submitters: Uncertain significance (1); Likely benign (2). Last evaluated 2024-02-16.

Conditions:
Bethlem myopathy 1A. Also called: MYOPATHY, BENIGN CONGENITAL, WITH CONTRACTURES; Bethlem Muscular Dystrophy; Bethlem myopathy 1. Identifiers: Orphanet 610, MedGen CN029274, MONDO:0024530, OMIM 158810.

Allele frequency attached by ClinVar (database versions not stated): TOPMed 0.00001.
gnomAD v4.1: 24 of 1,597,942 alleles (0.0015%); highest among the groups gnomAD compares: Admixed American, 0.0033%; no homozygotes.

Submissions (3):

Labcorp Genetics (formerly Invitae), Labcorp
Classification: Likely benign for Bethlem myopathy 1A. Last evaluated: 2024-02-16. Review status: criteria provided, single submitter. Criteria: Invitae Variant Classification Sherloc (09022015). Collection method: clinical testing. Allele origin: germline.

Eurofins Ntd Llc (ga)
Classification: Uncertain significance. Last evaluated: 2017-02-28. Review status: criteria provided, single submitter. Criteria: EGL Classification Definitions 2015. Collection method: clinical testing. Allele origin: germline. Observed: 1 variant allele, 1 heterozygote.

GeneDx
Classification: Likely benign. Last evaluated: 2016-06-26. Review status: criteria provided, single submitter. Criteria: GeneDx Variant Classification (06012015). Collection method: clinical testing. Allele origin: germline. Affected: yes.
Comment: This variant is considered likely benign or benign based on one or more of the following criteria: it is a conservative change, it occurs at a poorly conserved position in the protein, it is predicted to be benign by multiple in silico algorithms, and/or has population frequency not consistent with disease.

NM_001849.4(COL6A2):c.2422+7G>T

Gene: COL6A2 (collagen type VI alpha 2 chain; plus strand). Cytogenetic location: 21q22.3.
Variant type: single nucleotide variant.
Coding change: c.2422+7G>T on transcript NM_001849.4 (MANE Select); 7 bases into the intron after coding-DNA position 2422, G replaced by T.
Molecular consequence: intron variant.
Genome position (GRCh38, 1-based): chr21:46,126,244, G>T. VCF-style: chr21-46126244-G-T. GRCh37 (hg19) VCF-style: chr21-47546158-G-T.
Other names: c.2422+7G>T (NM_058175.3, NM_058174.3).
Identifiers: ClinVar variation 386876 (VCV000386876.7), dbSNP rs773282809, ClinGen allele CA10072561.